The following is an entry in ClinVar:

NM_000368.5(TSC1):c.805G>A (p.Ala269Thr)

Gene: TSC1 (TSC complex subunit 1; minus strand). Cytogenetic location: 9q34.13.
Variant type: single nucleotide variant.
Coding change: c.805G>A on transcript NM_000368.5 (MANE Select); coding-DNA position 805, G replaced by A.
Protein change: p.Ala269Thr; replaces alanine 269 with threonine.
Molecular consequence: missense variant. On other transcripts: 5 prime UTR variant (5), non-coding transcript variant (5).
Genome position (GRCh38, 1-based): chr9:132,912,390, C>T on the plus strand (G>A on the coding strand, the complement: TSC1 is on the minus strand). VCF-style: chr9-132912390-C-T. GRCh37 (hg19) VCF-style: chr9-135787777-C-T.
Other names: c.805G>A, p.Ala269Thr (NM_001406598.1, NM_001406599.1, NM_001406600.1 and 16 more transcripts); c.652G>A, p.Ala218Thr (NM_001162427.2, NM_001406610.1, NM_001406611.1 and 2 more transcripts); c.442G>A, p.Ala148Thr (NM_001362177.2, NM_001406614.1, NM_001406615.1 and 10 more transcripts); c.-147G>A (NM_001406626.1, NM_001406627.1, NM_001406628.1); c.-289G>A (NM_001406629.1, NM_001406630.1); short protein forms A148T, A218T, A269T.
Identifiers: ClinVar variation 2763800 (VCV002763800.3), dbSNP rs2132002151, ClinGen allele CA375369459.

ClinVar aggregate classification (germline): Uncertain significance (1 of 4 stars; one submission).

Conditions:
Tuberous sclerosis 1 (TSC1). Identifiers: Orphanet 805, MedGen C1854465, MONDO:0008612, OMIM 191100.

Submission:

Labcorp Genetics (formerly Invitae), Labcorp
Classification: Uncertain significance for Tuberous sclerosis 1. Last evaluated: 2024-03-02. Review status: criteria provided, single submitter. Criteria: Invitae Variant Classification Sherloc (09022015). Collection method: clinical testing. Allele origin: germline.
Comment: This sequence change replaces alanine, which is neutral and non-polar, with threonine, which is neutral and polar, at codon 269 of the TSC1 protein (p.Ala269Thr). This variant is not present in population databases (gnomAD no frequency). This variant has not been reported in the literature in individuals affected with TSC1-related conditions. Advanced modeling of protein sequence and biophysical properties (such as structural, functional, and spatial information, amino acid conservation, physicochemical variation, residue mobility, and thermodynamic stability) performed at Invitae indicates that this missense variant is not expected to disrupt TSC1 protein function with a negative predictive value of 95%. In summary, the available evidence is currently insufficient to determine the role of this variant in disease. Therefore, it has been classified as a Variant of Uncertain Significance.